The following is an entry in ClinVar:

NM_000540.3(RYR1):c.14626A>G (p.Lys4876Glu)

Gene: RYR1 (ryanodine receptor 1; plus strand). Cytogenetic location: 19q13.2.
Variant type: single nucleotide variant.
Coding change: c.14626A>G on transcript NM_000540.3 (MANE Select); coding-DNA position 14626, A replaced by G.
Protein change: p.Lys4876Glu; replaces lysine 4876 with glutamic acid.
Molecular consequence: missense variant.
Genome position (GRCh38, 1-based): chr19:38,580,484, A>G. VCF-style: chr19-38580484-A-G. GRCh37 (hg19) VCF-style: chr19-39071124-A-G.
Other names: c.14611A>G, p.Lys4871Glu (NM_001042723.2); short protein forms K4876E, K4871E.
Identifiers: ClinVar variation 567832 (VCV000567832.6), dbSNP rs1568605325, ClinGen allele CA405688048.

ClinVar aggregate classification (germline): Uncertain significance (1 of 4 stars; one submission).

Conditions:
RYR1-related disorder. Also called: RYR1-related disorders; RYR1-related condition. Identifiers: MedGen CN239331.

Submission:

Labcorp Genetics (formerly Invitae), Labcorp
Classification: Uncertain significance for RYR1-related disorder. Last evaluated: 2021-07-09. Review status: criteria provided, single submitter. Criteria: Invitae Variant Classification Sherloc (09022015). Collection method: clinical testing. Allele origin: germline.
Comment: In summary, the available evidence is currently insufficient to determine the role of this variant in disease. Therefore, it has been classified as a Variant of Uncertain Significance. This variant disrupts the p.Lys4876 amino acid residue in RYR1. Other variant(s) that disrupt this residue have been determined to be pathogenic (PMID: 15731587, 16163667, 19191329, 24433488, 27854207). This suggests that this residue is clinically significant, and that variants that disrupt this residue are likely to be disease-causing. Algorithms developed to predict the effect of missense changes on protein structure and function (SIFT, PolyPhen-2, Align-GVGD) all suggest that this variant is likely to be disruptive. This variant has not been reported in the literature in individuals affected with RYR1-related conditions. This variant is not present in population databases (ExAC no frequency). This sequence change replaces lysine with glutamic acid at codon 4876 of the RYR1 protein (p.Lys4876Glu). The lysine residue is highly conserved and there is a small physicochemical difference between lysine and glutamic acid.

Literature cited by the submitters: PubMed 15731587; PubMed 16163667; PubMed 19191329; PubMed 24433488; PubMed 27854207.